The following is an entry in ClinVar:

NM_016151.4(TAOK2):c.1323G>A (p.Pro441=)

Gene: TAOK2 (TAO kinase 2; plus strand). Cytogenetic location: 16p11.2.
Variant type: single nucleotide variant.
Coding change: c.1323G>A on transcript NM_016151.4 (MANE Select); coding-DNA position 1323, G replaced by A.
Protein change: p.Pro441=; no amino-acid change (proline 441 retained).
Molecular consequence: synonymous variant.
Genome position (GRCh38, 1-based): chr16:29,983,565, G>A. VCF-style: chr16-29983565-G-A. GRCh37 (hg19) VCF-style: chr16-29994886-G-A.
Other names: c.1323G>A, p.Pro441= (NM_001252043.2, NM_004783.4); c.1323G>A (NM_016151.3).
Identifiers: ClinVar variation 1530250 (VCV001530250.11), dbSNP rs61739161, ClinGen allele CA7998111.

ClinVar aggregate classification (germline): Benign. Review status: criteria provided, multiple submitters, no conflicts (2 of 4 stars). 3 submissions from 3 submitters: Benign (2). 1 of the submissions does not count toward it. Last evaluated 2026-01-04.

Conditions:
TAOK2-related disorder. Also called: TAOK2-related condition.

Allele frequency attached by ClinVar (database versions not stated): gnomAD exomes 0.00015 and 0.00035; ExAC 0.00043; ESP Exome Variant Server 0.00077; gnomAD 0.00139 and 0.00149; 1000 Genomes Project 0.00140; TOPMed 0.00165; 1000 Genomes Project 30x 0.00156.
gnomAD v4.1: 449 of 1,613,890 alleles (0.028%); highest among the groups gnomAD compares: African/African-American, 0.49%; 1 homozygote.

Submissions (3):

Labcorp Genetics (formerly Invitae), Labcorp
Classification: Benign. Last evaluated: 2026-01-04. Review status: criteria provided, single submitter. Criteria: Invitae Variant Classification Sherloc (09022015). Collection method: clinical testing. Allele origin: germline.

Breakthrough Genomics
Classification: Benign. Review status: criteria provided, single submitter. Criteria: ACMG Guidelines, 2015. Collection method: not provided. Allele origin: germline. Inheritance: Unknown mechanism. Affected: yes.

PreventionGenetics, part of Exact Sciences
Classification: Likely benign for TAOK2-related condition. Last evaluated: 2019-08-09. Review status: no assertion criteria provided. Collection method: clinical testing. Allele origin: germline. Not counted in ClinVar's aggregate classification.
Comment: This variant is classified as likely benign based on ACMG/AMP sequence variant interpretation guidelines (Richards et al. 2015 PMID: 25741868, with internal and published modifications).